The following is an entry in ClinVar:

NM_001127464.1:c.6575G>A

Gene: ZNF469 (zinc finger protein 469; plus strand).
Variant type: single nucleotide variant.
Identifiers: ClinVar variation 4531045 (VCV004531045.1).

ClinVar aggregate classification (germline): Uncertain significance (1 of 4 stars; one submission).

Submission:

GeneDx
Classification: Uncertain significance. Last evaluated: 2025-05-23. Review status: criteria provided, single submitter. Criteria: GeneDx Variant Classification Process June 2021. Collection method: clinical testing. Allele origin: germline. Affected: yes.
Comment: Not observed at significant frequency in large population cohorts (gnomAD); In silico analysis suggests that this missense variant does not alter protein structure/function; Has not been previously published as pathogenic or benign to our knowledge